The following is an entry in ClinVar:

NM_006014.5(LAGE3):c.139A>G (p.Arg47Gly)

Genes: LAGE3 (L antigen family member 3; minus strand), LOC130068876 (ATAC-STARR-seq lymphoblastoid silent region 21109; plus strand). Cytogenetic location: Xq28.
Variant type: single nucleotide variant.
Coding change: c.139A>G on transcript NM_006014.5 (MANE Select); coding-DNA position 139, A replaced by G.
Protein change: p.Arg47Gly; replaces arginine 47 with glycine.
Molecular consequence: missense variant.
Genome position (GRCh38, 1-based): chrX:154,478,777, T>C on the plus strand (A>G on the coding strand, the complement: LAGE3 is on the minus strand). VCF-style: chrX-154478777-T-C. GRCh37 (hg19) VCF-style: chrX-153707116-T-C.
Other names: short protein forms R47G.
Identifiers: ClinVar variation 2490387 (VCV002490387.4), dbSNP rs781904042, ClinGen allele CA10565271.

ClinVar aggregate classification (germline): Conflicting classifications of pathogenicity. Review status: criteria provided, conflicting classifications (1 of 4 stars). 3 submissions from 3 submitters: Uncertain significance (1); Likely benign (2). Last evaluated 2025-10-09.

Allele frequency attached by ClinVar (database versions not stated): gnomAD exomes 0.00001; TOPMed 0.00002; gnomAD 0.00004; ExAC 0.00017; 1000 Genomes Project 30x 0.00021.
gnomAD v4.1: 19 of 1,128,256 alleles (0.0017%); highest among the groups gnomAD compares: East Asian, 0.055%; no homozygotes.

Submissions (3):

Labcorp Genetics (formerly Invitae), Labcorp
Classification: Likely benign. Last evaluated: 2025-10-09. Review status: criteria provided, single submitter. Criteria: Invitae Variant Classification Sherloc (09022015). Collection method: clinical testing. Allele origin: germline.

Women's Health and Genetics/Laboratory Corporation of America, LabCorp
Classification: Uncertain significance. Last evaluated: 2024-10-25. Review status: criteria provided, single submitter. Criteria: LabCorp Variant Classification Summary - May 2015. Collection method: clinical testing. Allele origin: germline.
Comment: Variant summary: LAGE3 c.139A>G (p.Arg47Gly) results in a non-conservative amino acid change in the encoded protein sequence. Four of five in-silico tools predict a benign effect of the variant on protein function. The variant allele was found at a frequency of 6.7e-05 in 89681 control chromosomes. The available data on variant occurrences in the general population are insufficient to allow any conclusion about variant significance. To our knowledge, no occurrence of c.139A>G in individuals affected with Galloway-Mowat Syndrome 2, X-Linked and no experimental evidence demonstrating its impact on protein function have been reported. ClinVar contains an entry for this variant (Variation ID: 2490387). Based on the evidence outlined above, the variant was classified as uncertain significance.

Ambry Genetics
Classification: Likely benign. Last evaluated: 2023-02-28. Review status: criteria provided, single submitter. Criteria: Ambry Variant Classification Scheme 2023. Collection method: clinical testing. Allele origin: germline.